The following is an entry in ClinVar:

NM_002900.3(RBP3):c.78C>T (p.Ser26=)

Gene: RBP3 (retinol binding protein 3; plus strand). Cytogenetic location: 10q11.22.
Variant type: single nucleotide variant.
Coding change: c.78C>T on transcript NM_002900.3 (MANE Select); coding-DNA position 78, C replaced by T.
Protein change: p.Ser26=; no amino-acid change (serine 26 retained).
Molecular consequence: synonymous variant.
Genome position (GRCh38, 1-based): chr10:47,348,562, C>T. VCF-style: chr10-47348562-C-T. GRCh37 (hg19) VCF-style: chr10-48390800-G-A.
Identifiers: ClinVar variation 299997 (VCV000299997.15), dbSNP rs115562835, ClinGen allele CA5487874.

ClinVar aggregate classification (germline): Benign/Likely benign. Review status: criteria provided, multiple submitters, no conflicts (2 of 4 stars). 3 submissions from 3 submitters: Benign (1); Likely benign (2). Last evaluated 2026-01-26.

Conditions:
Retinitis pigmentosa (RP). Identifiers: Orphanet 791, MedGen C0035334, MeSH D012174, MONDO:0019200, OMIM 268000. Inheritance: Autosomal dominant, autosomal recessive and X linked inheritance.

Allele frequency attached by ClinVar (database versions not stated): gnomAD exomes 0.00262; ExAC 0.00306; gnomAD 0.00905; 1000 Genomes Project 0.00978; TOPMed 0.01112; ESP Exome Variant Server 0.01123; 1000 Genomes Project 30x 0.01218.
gnomAD v4.1: 2,980 of 1,612,848 alleles (0.18%); highest among the groups gnomAD compares: African/African-American, 3.4%; 56 homozygotes.

Submissions (3):

Labcorp Genetics (formerly Invitae), Labcorp
Classification: Benign. Last evaluated: 2026-01-26. Review status: criteria provided, single submitter. Criteria: Invitae Variant Classification Sherloc (09022015). Collection method: clinical testing. Allele origin: germline.

Illumina Laboratory Services, Illumina
Classification: Likely benign for Retinitis pigmentosa. Last evaluated: 2018-01-12. Review status: criteria provided, single submitter. Criteria: ICSL Variant Classification Criteria 13 December 2019. Collection method: clinical testing. Allele origin: germline.
Comment: This variant was observed in the ICSL laboratory as part of a predisposition screen in an ostensibly healthy population. It had not been previously curated by ICSL or reported in the Human Gene Mutation Database (HGMD: prior to June 1st, 2018), and was therefore a candidate for classification through an automated scoring system. Utilizing variant allele frequency, disease prevalence and penetrance estimates, and inheritance mode, an automated score was calculated to assess if this variant is too frequent to cause the disease. Based on the score and internal cut-off values, a variant classified as likely benign is not then subjected to further curation. The score for this variant resulted in a classification of likely benign for this disease.

Breakthrough Genomics
Classification: Likely benign. Review status: criteria provided, single submitter. Criteria: ACMG Guidelines, 2015. Collection method: not provided. Allele origin: germline. Inheritance: Autosomal recessive inheritance. Affected: yes.